The following is an entry in ClinVar:

ClinVar aggregate classification (germline): Likely benign. Review status: criteria provided, multiple submitters, no conflicts (2 of 4 stars). 2 submissions from 2 submitters: Likely benign (2). Last evaluated 2025-08-17.

Allele frequency attached by ClinVar (database versions not stated): gnomAD 0.00001; gnomAD exomes 0.00003 and 0.00007.
gnomAD v4.1: 17 of 1,543,190 alleles (0.0011%); highest among the groups gnomAD compares: Admixed American, 0.028%; no homozygotes.

Submissions (2):

Labcorp Genetics (formerly Invitae), Labcorp
Classification: Likely benign. Last evaluated: 2025-08-17. Review status: criteria provided, single submitter. Criteria: Invitae Variant Classification Sherloc (09022015). Collection method: clinical testing. Allele origin: germline.

GeneDx
Classification: Likely benign. Last evaluated: 2016-03-04. Review status: criteria provided, single submitter. Criteria: GeneDx Variant Classification (06012015). Collection method: clinical testing. Allele origin: germline. Affected: yes.
Comment: This variant is considered likely benign or benign based on one or more of the following criteria: it is a conservative change, it occurs at a poorly conserved position in the protein, it is predicted to be benign by multiple in silico algorithms, and/or has population frequency not consistent with disease.

NM_213595.4(ISCU):c.228+11T>C

Gene: ISCU (iron-sulfur cluster assembly enzyme; plus strand). Cytogenetic location: 12q23.3.
Variant type: single nucleotide variant.
Coding change: c.228+11T>C on transcript NM_213595.4 (MANE Select); 11 bases into the intron after coding-DNA position 228, T replaced by C.
Molecular consequence: intron variant.
Genome position (GRCh38, 1-based): chr12:108,564,403, T>C. VCF-style: chr12-108564403-T-C. GRCh37 (hg19) VCF-style: chr12-108958179-T-C.
Other names: c.153+11T>C (NM_014301.4); c.228+11T>C (NM_001320042.1, NM_001301140.1, NM_001301141.1).
Identifiers: ClinVar variation 383286 (VCV000383286.8), dbSNP rs767846973, ClinGen allele CA6768792.